The following is an entry in ClinVar:

ClinVar aggregate classification (germline): Uncertain significance. Review status: criteria provided, multiple submitters, no conflicts (2 of 4 stars). 2 submissions from 2 submitters: Uncertain significance (2). Last evaluated 2023-08-08.

Conditions:
Wilson disease (WND). Also called: Wilson's disease. Identifiers: Orphanet 905, MedGen C0019202, MONDO:0010200, OMIM 277900. Disease mechanism: loss of function.

Allele frequency attached by ClinVar (database versions not stated): ExAC 0.00001; gnomAD exomes 0.00001.

Submissions (2):

All of Us Research Program, National Institutes of Health
Classification: Uncertain significance for Wilson disease. Last evaluated: 2023-08-08. Review status: criteria provided, single submitter. Criteria: ACMG Guidelines, 2015. Collection method: clinical testing. Allele origin: germline. Inheritance: Autosomal recessive inheritance. Observed: 2 variant alleles, 2 heterozygotes.
Comment: This missense variant replaces serine with glycine at codon 440 of the ATP7B protein. Computational prediction suggests that this variant may not impact protein structure and function (internally defined REVEL score threshold <= 0.5, PMID: 27666373). To our knowledge, functional studies have not been reported for this variant. This variant has not been reported in individuals affected with ATP7B-related disorders in the literature. This variant has been identified in 2/248776 chromosomes in the general population by the Genome Aggregation Database (gnomAD). The available evidence is insufficient to determine the role of this variant in disease conclusively. Therefore, this variant is classified as a Variant of Uncertain Significance.

This study involves interpretation of variants in research participants for the purpose of population health screening. Participant phenotype was not available at the time of variant classification. Additional details can be found in publication PMID: 35346344, PMCID: PMC8962531

Illumina Laboratory Services, Illumina
Classification: Uncertain significance for Wilson disease. Last evaluated: 2018-01-13. Review status: criteria provided, single submitter. Criteria: ICSL Variant Classification Criteria 13 December 2019. Collection method: clinical testing. Allele origin: germline.

NM_000053.4(ATP7B):c.1318A>G (p.Ser440Gly)

Gene: ATP7B (ATPase copper transporting beta; minus strand). Cytogenetic location: 13q14.3.
Variant type: single nucleotide variant.
Coding change: c.1318A>G on transcript NM_000053.4 (MANE Select); coding-DNA position 1318, A replaced by G.
Protein change: p.Ser440Gly; replaces serine 440 with glycine.
Molecular consequence: missense variant.
Genome position (GRCh38, 1-based): chr13:51,970,717, T>C on the plus strand (A>G on the coding strand, the complement: ATP7B is on the minus strand). VCF-style: chr13-51970717-T-C. GRCh37 (hg19) VCF-style: chr13-52544853-T-C.
Other names: c.1318A>G, p.Ser440Gly (NM_001005918.3, NM_001330578.2, NM_001330579.2); c.985A>G, p.Ser329Gly (NM_001243182.2); short protein forms S329G, S440G.
Identifiers: ClinVar variation 883033 (VCV000883033.5), dbSNP rs759000301, ClinGen allele CA6989376.